The following is an entry in ClinVar:

NM_001378454.1(ALMS1):c.1106T>A (p.Val369Asp)

Gene: ALMS1 (ALMS1 centrosome and basal body associated protein; plus strand). Cytogenetic location: 2p13.1.
Variant type: single nucleotide variant.
Coding change: c.1106T>A on transcript NM_001378454.1 (MANE Select); coding-DNA position 1106, T replaced by A.
Protein change: p.Val369Asp; replaces valine 369 with aspartic acid.
Molecular consequence: missense variant.
Genome position (GRCh38, 1-based): chr2:73,424,771, T>A. VCF-style: chr2-73424771-T-A. GRCh37 (hg19) VCF-style: chr2-73651899-T-A.
Other names: c.1109T>A, p.Val370Asp (NM_015120.4); short protein forms V369D, V370D.
Identifiers: ClinVar variation 4729137 (VCV004729137.1).

ClinVar aggregate classification (germline): Uncertain significance (1 of 4 stars; one submission).

Conditions:
Alstrom syndrome (ALMS). Identifiers: Orphanet 64, MedGen C0268425, MONDO:0008763, OMIM 203800.

Submission:

Labcorp Genetics (formerly Invitae), Labcorp
Classification: Uncertain significance for Alstrom syndrome. Last evaluated: 2025-10-13. Review status: criteria provided, single submitter. Criteria: Invitae Variant Classification Sherloc (09022015). Collection method: clinical testing. Allele origin: germline.
Comment: This sequence change replaces valine, which is neutral and non-polar, with aspartic acid, which is acidic and polar, at codon 370 of the ALMS1 protein (p.Val370Asp). This variant is not present in population databases (gnomAD no frequency). This variant has not been reported in the literature in individuals affected with ALMS1-related conditions. Experimental studies and prediction algorithms are not available or were not evaluated, and the functional significance of this variant is currently unknown. In summary, the available evidence is currently insufficient to determine the role of this variant in disease. Therefore, it has been classified as a Variant of Uncertain Significance.